The following is an entry in ClinVar:

NM_004725.4(BUB3):c.317C>T (p.Pro106Leu)

Gene: BUB3 (BUB3 mitotic checkpoint protein; plus strand). Cytogenetic location: 10q26.13.
Variant type: single nucleotide variant.
Coding change: c.317C>T on transcript NM_004725.4 (MANE Select); coding-DNA position 317, C replaced by T.
Protein change: p.Pro106Leu; replaces proline 106 with leucine.
Molecular consequence: missense variant.
Genome position (GRCh38, 1-based): chr10:123,157,780, C>T. VCF-style: chr10-123157780-C-T. GRCh37 (hg19) VCF-style: chr10-124917296-C-T.
Other names: c.317C>T, p.Pro106Leu (NM_001007793.3); short protein forms P106L.
Identifiers: ClinVar variation 3483285 (VCV003483285.1).

ClinVar aggregate classification (germline): Uncertain significance (1 of 4 stars; one submission).

Submission:

Ambry Genetics
Classification: Uncertain significance. Last evaluated: 2024-08-25. Review status: criteria provided, single submitter. Criteria: Ambry Variant Classification Scheme 2023. Collection method: clinical testing. Allele origin: germline.
Comment: The p.P106L variant (also known as c.317C>T), located in coding exon 3 of the BUB3 gene, results from a C to T substitution at nucleotide position 317. The proline at codon 106 is replaced by leucine, an amino acid with similar properties. This amino acid position is conserved. In addition, this alteration is predicted to be deleterious by in silico analysis. Based on the available evidence, the clinical significance of this variant remains unclear.